The following is an entry in ClinVar:

ClinVar aggregate classification (germline): Uncertain significance (1 of 4 stars; one submission).

Conditions:
Gorlin syndrome. Also called: Basal cell nevus syndrome; Nevoid Basal Cell Carcinoma Syndrome. Identifiers: Orphanet 377, MedGen C0004779, MONDO:0007187.

gnomAD v4.1: 2 of 1,614,078 alleles (0.00012%); highest among the groups gnomAD compares: Non-Finnish European, 0.00017%; no homozygotes.

Submission:

Labcorp Genetics (formerly Invitae), Labcorp
Classification: Uncertain significance for Gorlin syndrome. Last evaluated: 2025-01-19. Review status: criteria provided, single submitter. Criteria: Invitae Variant Classification Sherloc (09022015). Collection method: clinical testing. Allele origin: germline.
Comment: This sequence change replaces threonine, which is neutral and polar, with isoleucine, which is neutral and non-polar, at codon 499 of the PTCH1 protein (p.Thr499Ile). This variant is present in population databases (no rsID available, gnomAD 0.0009%). This variant has not been reported in the literature in individuals affected with PTCH1-related conditions. Invitae Evidence Modeling of protein sequence and biophysical properties (such as structural, functional, and spatial information, amino acid conservation, physicochemical variation, residue mobility, and thermodynamic stability) has been performed for this missense variant. However, the output from this modeling did not meet the statistical confidence thresholds required to predict the impact of this variant on PTCH1 protein function. In summary, the available evidence is currently insufficient to determine the role of this variant in disease. Therefore, it has been classified as a Variant of Uncertain Significance.

NM_000264.5(PTCH1):c.1496C>T (p.Thr499Ile)

Gene: PTCH1 (patched 1; minus strand). Cytogenetic location: 9q22.32.
Variant type: single nucleotide variant.
Coding change: c.1496C>T on transcript NM_000264.5 (MANE Select); coding-DNA position 1496, C replaced by T.
Protein change: p.Thr499Ile; replaces threonine 499 with isoleucine.
Molecular consequence: missense variant. On other transcripts: non-coding transcript variant (1), intron variant (1).
Genome position (GRCh38, 1-based): chr9:95,477,554, G>A on the plus strand (C>T on the coding strand, the complement: PTCH1 is on the minus strand). VCF-style: chr9-95477554-G-A. GRCh37 (hg19) VCF-style: chr9-98239836-G-A.
Other names: c.1298C>T, p.Thr433Ile (NM_001083602.3); c.1493C>T, p.Thr498Ile (NM_001083603.3); c.1043C>T, p.Thr348Ile (NM_001083604.3, NM_001083605.3, NM_001083606.3 and 1 more transcripts); c.1347+501C>T (NM_001354918.2); short protein forms T348I, T433I, T499I, T498I.
Identifiers: ClinVar variation 3680470 (VCV003680470.2).